The following is an entry in ClinVar:

NM_000342.4(SLC4A1):c.2278C>T (p.Arg760Trp)

Gene: SLC4A1 (solute carrier family 4 member 1 (Diego blood group); minus strand). Cytogenetic location: 17q21.31.
Variant type: single nucleotide variant.
Coding change: c.2278C>T on transcript NM_000342.4 (MANE Select); coding-DNA position 2278, C replaced by T.
Protein change: p.Arg760Trp; replaces arginine 760 with tryptophan.
Molecular consequence: missense variant.
Genome position (GRCh38, 1-based): chr17:44,253,151, G>A on the plus strand (C>T on the coding strand, the complement: SLC4A1 is on the minus strand). VCF-style: chr17-44253151-G-A. GRCh37 (hg19) VCF-style: chr17-42330519-G-A.
Other names: p.Arg760Trp; short protein forms R760W.
Identifiers: ClinVar variation 803425 (VCV000803425.45), dbSNP rs373916826, ClinGen allele CA8600090.
Genomic context (GRCh38, chr17:44,253,151, plus strand): 5'-TGAAGACGCGACCCAGCTTTCACTCACCCACAAGCACAGCGACCAGGAGTCCACTGATCC[G>A]CTGCTCTTTGACCTCCTGGATCTGGGCTGCAGCCCCTGGGGTGCTGGCTTTGCCCATGAC-3'
Protein context (NP_000333.1, residues 750-770): AAQIQEVKEQ[Arg760Trp]ISGLLVAVLV

ClinVar aggregate classification (germline): Pathogenic/Likely pathogenic. Review status: criteria provided, multiple submitters, no conflicts (2 of 4 stars). 9 submissions from 9 submitters: Pathogenic (6); Likely pathogenic (3). Last evaluated 2025-08-17.

Conditions:
Hereditary spherocytosis type 4. Also called: SLC4A1-Related Spherocytosis. Identifiers: Orphanet 822, MedGen C2675212, MONDO:0012981, OMIM 612653.
SLC4A1-related disorder. Also called: SLC4A1-related disorders; SLC4A1-related condition.

Allele frequency attached by ClinVar (database versions not stated): ExAC 0.00001; ESP Exome Variant Server 0.00008.

Submissions (9):

Labcorp Genetics (formerly Invitae), Labcorp
Classification: Pathogenic. Last evaluated: 2025-08-17. Review status: criteria provided, single submitter. Criteria: Invitae Variant Classification Sherloc (09022015). Collection method: clinical testing. Allele origin: germline.
Comment: This sequence change replaces arginine, which is basic and polar, with tryptophan, which is neutral and slightly polar, at codon 760 of the SLC4A1 protein (p.Arg760Trp). This variant is not present in population databases (gnomAD no frequency). This missense change has been observed in individuals with hereditary spherocytosis (PMID: 7530501, 9012689, 10745622, 31122244, 32266426, 34093240, 36203343, 37280519). ClinVar contains an entry for this variant (Variation ID: 803425). Invitae Evidence Modeling of protein sequence and biophysical properties (such as structural, functional, and spatial information, amino acid conservation, physicochemical variation, residue mobility, and thermodynamic stability) indicates that this missense variant is expected to disrupt SLC4A1 protein function with a positive predictive value of 80%. Experimental studies have shown that this missense change affects SLC4A1 function (PMID: 11208088). For these reasons, this variant has been classified as Pathogenic.

ARUP Laboratories, Molecular Genetics and Genomics, ARUP Laboratories
Classification: Likely pathogenic. Last evaluated: 2025-02-24. Review status: criteria provided, single submitter. Criteria: ARUP Molecular Germline Variant Investigation Process 2024. Collection method: clinical testing. Allele origin: germline.
Comment: The SLC4A1 c.2278C>T; p.Arg760Trp variant (rs373916826, ClinVar Variation ID: 803425), also known as Band 3 Hradec Kralove, is reported in the literature in individuals affected with hereditary spherocytosis (Agarwal 2016, Choi 2019, Jarolim 1995, Shi 2023, Svidnicki 2020, Wang 2023). This variant is absent from the Genome Aggregation Database (v2.1.1), indicating it is not a common polymorphism. Additionally, another variant at this codon (p.Arg760Gln) has been reported in individuals with hereditary spherocytosis and is considered likely pathogenic (Bruce 2005, Jarolim 1995). Functional analyses of the variant protein show impaired cellular trafficking (Quilty 2000). Computational analyses predict that this variant is deleterious (REVEL: 0.894). Based on available information, this variant is considered to be likely pathogenic. References: Agarwal AM et al. Clinical utility of next-generation sequencing in the diagnosis of hereditary haemolytic anaemias. Br J Haematol. 2016 Sep. PMID: 27292444 Bruce LJ et al. Monovalent cation leaks in human red cells caused by single amino-acid substitutions in the transport domain of the band 3 chloride-bicarbonate exchanger, AE1. Nature genetics. 2005 Nov. PMID: 16227998 Choi HS et al. Molecular diagnosis of hereditary spherocytosis by multi-gene target sequencing in Korea: matching with osmotic fragility test and presence of spherocyte. Orphanet J Rare Dis. 2019 May 23. PMID: 31122244 Jarolim P et al. Mutations of conserved arginines in the membrane domain of erythroid band 3 lead to a decrease in membrane-associated band 3 and to the phenotype of hereditary spherocytosis. Blood. 1995 Feb 1. PMID: 7530501 Quilty JA et al. Trafficking and folding defects in hereditary spherocytosis mutants of the human red cell anion exchanger. Traffic. 2000 Dec. PMID: 11208088 Shi Y et al. Genotype-degree of hemolysis correlation in hereditary spherocytosis. BMC Genomics. 2023 Jun 6. PMID: 37280519 Svidnicki M et al. Targeted next-generation sequencing identified novel mutations associated with hereditary anemias in Brazil. Ann Hematol. 2020 May. PMID: 32266426 Wang WJ et al. Identification of variants in 94 Chinese patients with hereditary spherocytosis by next generation sequencing. Clin Genet. 2023 Jan. PMID: 36203343

Revvity Omics, Revvity
Classification: Pathogenic. Last evaluated: 2024-10-10. Review status: criteria provided, single submitter. Criteria: ACMG Guidelines, 2015. Collection method: clinical testing. Allele origin: germline.

PreventionGenetics, part of Exact Sciences
Classification: Pathogenic for SLC4A1-related condition. Last evaluated: 2024-10-02. Review status: criteria provided, single submitter. Criteria: ACMG Guidelines, 2015. Collection method: clinical testing. Allele origin: germline.
Comment: The SLC4A1 c.2278C>T variant is predicted to result in the amino acid substitution p.Arg760Trp. This variant has been reported in several unrelated individuals with spherocytosis (Jarolim et al. 1995. PubMed ID: 7530501; Table S3, Choi et al. 2019. PubMed ID: 31122244; Svidnicki et al. 2020. PubMed ID: 32266426; Wang et al. 2023. PubMed ID: 36203343). This variant has not been reported in a large population database, indicating this variant is rare. This variant is interpreted as pathogenic.

GeneDx
Classification: Likely pathogenic. Last evaluated: 2022-03-08. Review status: criteria provided, single submitter. Criteria: GeneDx Variant Classification Process June 2021. Collection method: clinical testing. Allele origin: germline. Affected: yes.
Comment: Published functional studies demonstrate defective cellular trafficking from the endoplasmic reticulum to the plasma membrane and non-native structures that may be misfolded (Quilty and Reithmeier, 2000); Not observed at significant frequency in large population cohorts (gnomAD); In silico analysis supports that this missense variant has a deleterious effect on protein structure/function; This variant is associated with the following publications: (PMID: 7530501, 18304844, 32884076, 11208088, 32266426, 27292444, 19565014, 31122244)

Jiangsu Institute of Hematology, the First Affiliated Hospital of Soochow University
Classification: Pathogenic for Hereditary spherocytosis type 4. Last evaluated: 2022-03-01. Review status: criteria provided, single submitter. Criteria: ACMG Guidelines, 2015. Collection method: research. Allele origin: inherited. Affected: yes.

Mayo Clinic Laboratories, Mayo Clinic
Classification: Pathogenic. Last evaluated: 2021-11-08. Review status: criteria provided, single submitter. Criteria: ACMG Guidelines, 2015. Collection method: clinical testing. Allele origin: germline.
Comment: PP3, PM2, PS3, PS4

Mendelics
Classification: Pathogenic for Hereditary spherocytosis type 4. Last evaluated: 2019-05-28. Review status: criteria provided, single submitter. Criteria: Mendelics Assertion Criteria 2017. Collection method: clinical testing. Allele origin: unknown.

Juno Genomics, Hangzhou Juno Genomics, Inc
Classification: Likely pathogenic for Hereditary spherocytosis type 4. Review status: criteria provided, single submitter. Criteria: ACMG Guidelines, 2015. Collection method: clinical testing. Allele origin: germline. Affected: yes.
Comment: Absent from controls (or at extremely low frequency if recessive) in Genome Aggregation Database, Exome Sequencing Project, 1000 Genomes Project, or Exome Aggregation Consortium.;Well-established in vitro or in vivo functional studies supportive of a damaging effect on the gene or gene product.;Novel missense change at an amino acid residue where a different missense change determined to be pathogenic has been seen before.;The prevalence of the variant in affected individuals is significantly increased compared to the prevalence in controls.;Patient's phenotype or family history is highly specific for a disease with a single genetic etiology.

Literature cited by the submitters: PubMed 7530501 (cited by Labcorp Genetics (formerly Invitae), Labcorp and Mayo Clinic Laboratories, Mayo Clinic); PubMed 9012689 (cited by Labcorp Genetics (formerly Invitae), Labcorp and Mayo Clinic Laboratories, Mayo Clinic); PubMed 10745622 (cited by Labcorp Genetics (formerly Invitae), Labcorp); PubMed 31122244 (cited by Labcorp Genetics (formerly Invitae), Labcorp and Mayo Clinic Laboratories, Mayo Clinic); PubMed 32266426 (cited by Labcorp Genetics (formerly Invitae), Labcorp and Mayo Clinic Laboratories, Mayo Clinic); PubMed 34093240 (cited by Labcorp Genetics (formerly Invitae), Labcorp and Mayo Clinic Laboratories, Mayo Clinic); PubMed 36203343 (cited by Labcorp Genetics (formerly Invitae), Labcorp); PubMed 37280519 (cited by Labcorp Genetics (formerly Invitae), Labcorp); PubMed 11208088 (cited by Labcorp Genetics (formerly Invitae), Labcorp and Mayo Clinic Laboratories, Mayo Clinic); PubMed 19565014 (cited by Mayo Clinic Laboratories, Mayo Clinic); PubMed 27292444 (cited by Mayo Clinic Laboratories, Mayo Clinic).